The following is an entry in ClinVar:

NM_000460.4(THPO):c.753C>A (p.His251Gln)

Gene: THPO (thrombopoietin; minus strand). Cytogenetic location: 3q27.1.
Variant type: single nucleotide variant.
Coding change: c.753C>A on transcript NM_000460.4 (MANE Select); coding-DNA position 753, C replaced by A.
Protein change: p.His251Gln; replaces histidine 251 with glutamine.
Molecular consequence: missense variant. On other transcripts: synonymous variant (4).
Genome position (GRCh38, 1-based): chr3:184,372,822, G>T on the plus strand (C>A on the coding strand, the complement: THPO is on the minus strand). VCF-style: chr3-184372822-G-T. GRCh37 (hg19) VCF-style: chr3-184090610-G-T.
Other names: c.741C>A, p.His247Gln (NM_001177597.2, NM_001290022.1); c.736C>A, p.Arg246= (NM_001177598.2, NM_001290026.1); c.637C>A, p.Arg213= (NM_001289997.1, NM_001290027.1); c.753C>A, p.His251Gln (NM_001289998.1, NM_001290028.1); c.1173C>A, p.His391Gln (NM_001290003.1); short protein forms H247Q, H391Q, H251Q.
Identifiers: ClinVar variation 3716669 (VCV003716669.2).

ClinVar aggregate classification (germline): Uncertain significance (1 of 4 stars; one submission).

gnomAD v4.1: 22 of 1,614,008 alleles (0.0014%); highest among the groups gnomAD compares: Non-Finnish European, 0.0019%; no homozygotes.

Submission:

Labcorp Genetics (formerly Invitae), Labcorp
Classification: Uncertain significance. Last evaluated: 2025-05-14. Review status: criteria provided, single submitter. Criteria: Invitae Variant Classification Sherloc (09022015). Collection method: clinical testing. Allele origin: germline.
Comment: This sequence change replaces histidine, which is basic and polar, with glutamine, which is neutral and polar, at codon 251 of the THPO protein (p.His251Gln). This variant is present in population databases (rs140658452, gnomAD 0.0009%). This missense change has been observed in individual(s) with aplastic anemia (PMID: 30523342). ClinVar contains an entry for this variant (Variation ID: 3716669). Invitae Evidence Modeling of protein sequence and biophysical properties (such as structural, functional, and spatial information, amino acid conservation, physicochemical variation, residue mobility, and thermodynamic stability) indicates that this missense variant is not expected to disrupt THPO protein function with a negative predictive value of 80%. In summary, the available evidence is currently insufficient to determine the role of this variant in disease. Therefore, it has been classified as a Variant of Uncertain Significance.

Literature cited by the submitters: PubMed 30523342.